The following is an entry in ClinVar:

ClinVar aggregate classification (germline): Uncertain significance. Review status: criteria provided, multiple submitters, no conflicts (2 of 4 stars). 3 submissions from 3 submitters: Uncertain significance (3). Last evaluated 2025-02-04.

Conditions:
Epidermolysis bullosa simplex 5B, with muscular dystrophy (EBS5B). Also called: Epidermolysis bullosa simplex with muscular dystrophy; EPIDERMOLYSIS BULLOSA SIMPLEX AND LIMB-GIRDLE MUSCULAR DYSTROPHY. Identifiers: Orphanet 257, MedGen C2931072, MONDO:0009181, OMIM 226670.
Autosomal recessive limb-girdle muscular dystrophy type 2Q (LGMDR17). Also called: MUSCULAR DYSTROPHY, LIMB-GIRDLE, AUTOSOMAL RECESSIVE 17. Identifiers: Orphanet 254361, MedGen C3150989, MONDO:0013390, OMIM 613723.
Epidermolysis bullosa simplex with nail dystrophy (EBS5D). Identifiers: MedGen C4225309, MONDO:0014661, OMIM 616487.
Epidermolysis bullosa simplex 5C, with pyloric atresia (EBS5C). Also called: PLEC-Related Epidermolysis Bullosa with Pyloric Atresia; Epidermolysis bullosa simplex with pyloric atresia; PLEC1-Related Epidermolysis Bullosa with Pyloric Atresia. Identifiers: Orphanet 158684, MedGen C2677349, MONDO:0012807, OMIM 612138.
Epidermolysis bullosa simplex, Ogna type (EBS5A). Also called: Pidermolysis bullosa simplex 5A, Ogna type; EPIDERMOLYSIS BULLOSA SIMPLEX 5A, OGNA TYPE. Identifiers: Orphanet 79401, MedGen C0432317, MONDO:0007555, OMIM 131950.
Inborn genetic diseases. Identifiers: MedGen C0950123, MeSH D030342.

Allele frequency attached by ClinVar (database versions not stated): gnomAD 0.00001; gnomAD exomes 0.00002 and 0.00003; TOPMed 0.00002; ExAC 0.00003.
gnomAD v4.1: 12 of 1,581,012 alleles (0.00076%); highest among the groups gnomAD compares: Admixed American, 0.014%; no homozygotes.

Submissions (3):

Labcorp Genetics (formerly Invitae), Labcorp
Classification: Uncertain significance for Autosomal recessive limb-girdle muscular dystrophy type 2Q; Epidermolysis bullosa simplex, Ogna type; Epidermolysis bullosa simplex with nail dystrophy; Epidermolysis bullosa simplex 5C, with pyloric atresia; Epidermolysis bullosa simplex 5B, with muscular dystrophy. Last evaluated: 2025-02-04. Review status: criteria provided, single submitter. Criteria: Invitae Variant Classification Sherloc (09022015). Collection method: clinical testing. Allele origin: germline.
Comment: This sequence change replaces alanine, which is neutral and non-polar, with valine, which is neutral and non-polar, at codon 1582 of the PLEC protein (p.Ala1582Val). This variant is present in population databases (rs781870824, gnomAD 0.02%). This variant has not been reported in the literature in individuals affected with PLEC-related conditions. ClinVar contains an entry for this variant (Variation ID: 967257). Experimental studies and prediction algorithms are not available or were not evaluated, and the functional significance of this variant is currently unknown. In summary, the available evidence is currently insufficient to determine the role of this variant in disease. Therefore, it has been classified as a Variant of Uncertain Significance.

Ambry Genetics
Classification: Uncertain significance for Inborn genetic diseases. Last evaluated: 2024-11-10. Review status: criteria provided, single submitter. Criteria: Ambry Variant Classification Scheme 2023. Collection method: clinical testing. Allele origin: germline.

Revvity Omics, Revvity
Classification: Uncertain significance. Last evaluated: 2021-12-10. Review status: criteria provided, single submitter. Criteria: ACMG Guidelines, 2015. Collection method: clinical testing. Allele origin: germline.

NM_201384.3(PLEC):c.4664C>T (p.Ala1555Val)

Gene: PLEC (plectin; minus strand). Cytogenetic location: 8q24.3.
Variant type: single nucleotide variant.
Coding change: c.4664C>T on transcript NM_201384.3 (MANE Select); coding-DNA position 4664, C replaced by T.
Protein change: p.Ala1555Val; replaces alanine 1555 with valine.
Molecular consequence: missense variant.
Genome position (GRCh38, 1-based): chr8:143,925,265, G>A on the plus strand (C>T on the coding strand, the complement: PLEC is on the minus strand). VCF-style: chr8-143925265-G-A. GRCh37 (hg19) VCF-style: chr8-144999433-G-A.
Other names: c.4745C>T, p.Ala1582Val (NM_000445.5); c.4622C>T, p.Ala1541Val (NM_201378.4); c.4598C>T, p.Ala1533Val (NM_201379.3); c.5075C>T, p.Ala1692Val (NM_201380.4); c.4568C>T, p.Ala1523Val (NM_201381.3); c.4664C>T, p.Ala1555Val (NM_201382.4); c.4676C>T, p.Ala1559Val (NM_201383.3); c.4745C>T (NM_000445.3); short protein forms A1555V, A1582V, A1533V, A1541V, A1523V, A1559V, A1692V.
Identifiers: ClinVar variation 967257 (VCV000967257.11), dbSNP rs781870824, ClinGen allele CA4926588.
Genomic context (GRCh38, chr8:143,925,265, plus strand): 5'-TCTGCACTGCGCTGCGCCGTCTCCAGGGCCACCTGTACCTGCCGCGCTCGCTCCACCTCG[G>A]CCTGCCGCAGGCGCCGCTCCGCCTCCTCCGCCTGCAGCCGCAGCTCCTCCAGGGCCTGCA-3'
Protein context (NP_958786.1, residues 1545-1565): AEEAERRLRQ[Ala1555Val]EVERARQVQV